The following is an entry in ClinVar:

ClinVar aggregate classification (germline): Benign (1 of 4 stars; one submission).

Conditions:
Landau-Kleffner syndrome (FESD). Also called: EPILEPSY, FOCAL, WITH SPEECH DISORDER AND WITH OR WITHOUT MENTAL RETARDATION; APHASIA, ACQUIRED, WITH EPILEPSY. Identifiers: Orphanet 1945, Orphanet 725, Orphanet 98818, MedGen C0282512, MONDO:0009509, OMIM 245570.

Allele frequency attached by ClinVar (database versions not stated): gnomAD exomes 0.00128; gnomAD 0.00816 and 0.00881; 1000 Genomes Project 0.00839; 1000 Genomes Project 30x 0.00859; TOPMed 0.00954.
gnomAD v4.1: 1,329 of 217,894 alleles (0.61%); highest among the groups gnomAD compares: African/African-American, 2.8%; 13 homozygotes.

Submission:

Illumina Laboratory Services, Illumina
Classification: Benign for Landau-Kleffner syndrome. Last evaluated: 2018-01-13. Review status: criteria provided, single submitter. Criteria: ICSL Variant Classification Criteria 13 December 2019. Collection method: clinical testing. Allele origin: germline.
Comment: This variant was observed in the ICSL laboratory as part of a predisposition screen in an ostensibly healthy population. It had not been previously curated by ICSL or reported in the Human Gene Mutation Database (HGMD: prior to June 1st, 2018), and was therefore a candidate for classification through an automated scoring system. Utilizing variant allele frequency, disease prevalence and penetrance estimates, and inheritance mode, an automated score was calculated to assess if this variant is too frequent to cause the disease. Based on the score and internal cut-off values, a variant classified as benign is not then subjected to further curation. The score for this variant resulted in a classification of benign for this disease.

NM_001134407.3(GRIN2A):c.*5447G>T

Gene: GRIN2A (glutamate ionotropic receptor NMDA type subunit 2A; minus strand). Cytogenetic location: 16p13.2.
Variant type: single nucleotide variant.
Coding change: c.*5447G>T on transcript NM_001134407.3 (MANE Select); 5447 bases downstream of the stop codon, G replaced by T.
Molecular consequence: 3 prime UTR variant.
Genome position (GRCh38, 1-based): chr16:9,757,702, C>A on the plus strand (G>T on the coding strand, the complement: GRIN2A is on the minus strand). VCF-style: chr16-9757702-C-A. GRCh37 (hg19) VCF-style: chr16-9851559-C-A.
Other names: c.*5447G>T (NM_000833.5); c.*5653G>T (NM_001134408.2).
Identifiers: ClinVar variation 321530 (VCV000321530.5), dbSNP rs145736101, ClinGen allele CA10644744.
Genomic context (GRCh38, chr16:9,757,702, plus strand): 5'-CTTGGTTCTTCCTCAATGCATGATACATAGACCTCAATTATTTCAATGGTCACTGCCAGC[C>A]TTTTATCTTCAGTTTGAGGTTTTAAACAATATCCCTGTTGATTTTTCCTAAGGAGACGGT-3'